The following is an entry in ClinVar:

NM_000038.6(APC):c.2339G>T (p.Ser780Ile)

Gene: APC (APC regulator of Wnt signaling pathway; plus strand). Cytogenetic location: 5q22.2.
Variant type: single nucleotide variant.
Coding change: c.2339G>T on transcript NM_000038.6 (MANE Select); coding-DNA position 2339, G replaced by T.
Protein change: p.Ser780Ile; replaces serine 780 with isoleucine.
Molecular consequence: missense variant.
Genome position (GRCh38, 1-based): chr5:112,837,933, G>T. VCF-style: chr5-112837933-G-T. GRCh37 (hg19) VCF-style: chr5-112173630-G-T.
Other names: c.2339G>T, p.Ser780Ile (NM_001127510.3, NM_001354895.2); c.2285G>T, p.Ser762Ile (NM_001127511.3); c.2393G>T, p.Ser798Ile (NM_001354896.2); c.2369G>T, p.Ser790Ile (NM_001354897.2); c.2264G>T, p.Ser755Ile (NM_001354898.2); c.2255G>T, p.Ser752Ile (NM_001354899.2); c.2216G>T, p.Ser739Ile (NM_001354900.2); c.2162G>T, p.Ser721Ile (NM_001354901.2); and 5 more; short protein forms S497I, S620I, S654I, S679I, S689I, S721I, S739I, S752I.
Identifiers: ClinVar variation 1022248 (VCV001022248.12), dbSNP rs1765158317, ClinGen allele CA16026467.

ClinVar aggregate classification (germline): Uncertain significance. Review status: criteria provided, multiple submitters, no conflicts (2 of 4 stars). 2 submissions from 2 submitters: Uncertain significance (2). Last evaluated 2022-01-19.

Conditions:
Familial adenomatous polyposis 1 (FAP1). Also called: POLYPOSIS, ADENOMATOUS INTESTINAL; FAMILIAL ADENOMATOUS POLYPOSIS 1, ATTENUATED. Identifiers: MedGen C2713442, MONDO:0021056, OMIM 175100. Disease mechanism: loss of function.
Hereditary cancer-predisposing syndrome. Also called: Hereditary Cancer Syndrome; Neoplastic Syndromes, Hereditary; Tumor predisposition; Hereditary neoplastic syndrome. Identifiers: Orphanet 140162, MedGen C0027672, MeSH D009386, MONDO:0015356.

Submissions (2):

Ambry Genetics
Classification: Uncertain significance for Hereditary cancer-predisposing syndrome. Last evaluated: 2022-01-19. Review status: criteria provided, single submitter. Criteria: Ambry Variant Classification Scheme 2023. Collection method: clinical testing. Allele origin: germline.
Comment: The p.S780I variant (also known as c.2339G>T), located in coding exon 15 of the APC gene, results from a G to T substitution at nucleotide position 2339. The serine at codon 780 is replaced by isoleucine, an amino acid with dissimilar properties. This amino acid position is conserved. In addition, in silico predictors for this gene do not accurately predict pathogenicity. Since supporting evidence is limited at this time, the clinical significance of this alteration remains unclear.

Labcorp Genetics (formerly Invitae), Labcorp
Classification: Uncertain significance for Familial adenomatous polyposis 1. Last evaluated: 2020-03-12. Review status: criteria provided, single submitter. Criteria: Invitae Variant Classification Sherloc (09022015). Collection method: clinical testing. Allele origin: germline.
Comment: In summary, the available evidence is currently insufficient to determine the role of this variant in disease. Therefore, it has been classified as a Variant of Uncertain Significance. Algorithms developed to predict the effect of missense changes on protein structure and function are either unavailable or do not agree on the potential impact of this missense change (SIFT: "Tolerated"; PolyPhen-2: "Probably Damaging"; Align-GVGD: "Class C0"). This variant has not been reported in the literature in individuals with APC-related conditions. This variant is not present in population databases (ExAC no frequency). This sequence change replaces serine with isoleucine at codon 780 of the APC protein (p.Ser780Ile). The serine residue is highly conserved and there is a large physicochemical difference between serine and isoleucine.